The following is an entry in ClinVar:

ClinVar aggregate classification (germline): Pathogenic (1 of 4 stars; one submission).

Conditions:
Congenital factor V deficiency. Also called: LABILE FACTOR DEFICIENCY; OWREN PARAHEMOPHILIA; PARAHEMOPHILIA; Hereditary factor V deficiency disease. Identifiers: Orphanet 326, MedGen C0015499, MONDO:0009210, OMIM 227400.

Submission:

Labcorp Genetics (formerly Invitae), Labcorp
Classification: Pathogenic for Congenital factor V deficiency. Last evaluated: 2023-02-16. Review status: criteria provided, single submitter. Criteria: Invitae Variant Classification Sherloc (09022015). Collection method: clinical testing. Allele origin: germline.
Comment: This sequence change creates a premature translational stop signal (p.Thr915Trpfs*14) in the F5 gene. It is expected to result in an absent or disrupted protein product. Loss-of-function variants in F5 are known to be pathogenic (PMID: 30924984). This variant is not present in population databases (gnomAD no frequency). This premature translational stop signal has been observed in individual(s) with Factor V deficiency (PMID: 11167768). This variant is also known as Frameshift, stop at 900. For these reasons, this variant has been classified as Pathogenic.

Literature cited by the submitters: PubMed 30924984; PubMed 11167768.

NM_000130.5(F5):c.2743_2744del (p.Thr915fs)

Gene: F5 (coagulation factor V; minus strand). Cytogenetic location: 1q24.2.
Variant type: Microsatellite.
Coding change: c.2743_2744del on transcript NM_000130.5 (MANE Select); coding-DNA positions 2743 to 2744, 2 bases deleted (AC; older notation c.2743_2744delAC).
Protein change: p.Thr915fs; shifts the reading frame from threonine 915.
Molecular consequence: frameshift variant.
Genome position (GRCh38, 1-based): chr1:169,542,346-169,542,347, GT deleted on the plus strand (AC on the coding strand, the reverse complement: F5 is on the minus strand); deleting any 2 consecutive bases within chr1:169,542,346-169,542,349 gives the same sequence; the c. name uses the placement nearest the transcript's 3' end. VCF-style (leftmost placement, unchanged base first): chr1-169542345-AGT-A. GRCh37 (hg19) VCF-style: chr1-169511583-AGT-A.
Other names: short protein forms T915fs.
Identifiers: ClinVar variation 2734022 (VCV002734022.3), dbSNP rs2526395115, ClinGen allele CA2586964389.